The following is an entry in ClinVar:

NM_001429.4(EP300):c.4513G>T (p.Glu1505Ter)

Gene: EP300 (EP300 lysine acetyltransferase; plus strand). Cytogenetic location: 22q13.2.
Variant type: single nucleotide variant.
Coding change: c.4513G>T on transcript NM_001429.4 (MANE Select); coding-DNA position 4513, G replaced by T.
Protein change: p.Glu1505Ter; replaces glutamic acid 1505 with a stop codon.
Molecular consequence: nonsense.
Genome position (GRCh38, 1-based): chr22:41,172,559, G>T. VCF-style: chr22-41172559-G-T. GRCh37 (hg19) VCF-style: chr22-41568563-G-T.
Other names: c.4435G>T, p.Glu1479Ter (NM_001362843.2); short protein forms E1505*, E1479*.
Identifiers: ClinVar variation 2720879 (VCV002720879.4), dbSNP rs1555911574, ClinGen allele CA411702879.

ClinVar aggregate classification (germline): Pathogenic (1 of 4 stars; one submission).

Conditions:
Rubinstein-Taybi syndrome due to EP300 haploinsufficiency. Also called: RUBINSTEIN-TAYBI SYNDROME 2; EP300-Related Rubinstein-Taybi Syndrome. Identifiers: Orphanet 353284, Orphanet 783, MedGen C3150941, MONDO:0013364, OMIM 613684.

Submissions (2):

Labcorp Genetics (formerly Invitae), Labcorp
Classification: Pathogenic for Rubinstein-Taybi syndrome due to EP300 haploinsufficiency. Last evaluated: 2025-09-08. Review status: criteria provided, single submitter. Criteria: Invitae Variant Classification Sherloc (09022015). Collection method: clinical testing. Allele origin: germline.
Comment: This sequence change creates a premature translational stop signal (p.Glu1505*) in the EP300 gene. It is expected to result in an absent or disrupted protein product. Loss-of-function variants in EP300 are known to be pathogenic (PMID: 15706485, 24476420). This variant is not present in population databases (gnomAD no frequency). This variant has not been reported in the literature in individuals affected with EP300-related conditions. ClinVar contains an entry for this variant (Variation ID: 2720879). Algorithms developed to predict the effect of sequence changes on RNA splicing suggest that this variant may disrupt the consensus splice site. For these reasons, this variant has been classified as Pathogenic.

Dr. Peter K. Rogan Lab, Western University
No classification provided (evidence only). Condition: Lung cancer. Review status: no classification provided. Collection method: in vitro. Allele origin: not applicable. Functional consequence: cryptic splice site. Not counted in ClinVar's aggregate classification.

Literature cited by the submitters: PubMed 15706485 (cited by Labcorp Genetics (formerly Invitae), Labcorp); PubMed 24476420 (cited by Labcorp Genetics (formerly Invitae), Labcorp).